The following is an entry in ClinVar:

ClinVar aggregate classification (germline): Pathogenic/Likely pathogenic. Review status: criteria provided, multiple submitters, no conflicts (2 of 4 stars). 5 submissions from 5 submitters: Pathogenic (2); Likely pathogenic (2). 1 of the submissions does not count toward it. Last evaluated 2025-11-04.

Conditions:
Fanconi anemia (FA). Also called: Fanconi's anemia. Identifiers: Orphanet 84, MedGen C0015625, MeSH D005199, MONDO:0019391.
Fanconi anemia complementation group A (FANCA). Also called: Fanconi anemia, group A; FANCA-Related Fanconi Anemia. Identifiers: Orphanet 84, MedGen C3469521, MONDO:0009215, OMIM 227650.

Allele frequency attached by ClinVar (database versions not stated): ExAC below 0.00001.

Submissions (5):

Natera, Inc.
Classification: Likely pathogenic for Fanconi anemia. Last evaluated: 2025-11-04. Review status: criteria provided, single submitter. Criteria: Natera Variant Classification Schema (03/2026). Collection method: clinical testing. Allele origin: germline.
Comment: The c.2290C>T variant in FANCA is a missense variant predicted to cause substitution of arginine to tryptophan at amino acid 764. This variant is rare in the general population with a frequency below the threshold expected for the associated phenotype(s). This variant has been observed in one or more individuals affected with the associated recessive disease, as either homozygous or compound heterozygous with a second variant (PMID: 24037726, 36894310, 24584348). This variant has been identified in one or more affected individuals with a phenotype highly consistent with the associated gene (PMID:3689431). Computational prediction algorithms indicate this variant is likely to affect gene or protein function. Given the available evidence, this variant is classified as Likely Pathogenic.

Fulgent Genetics
Classification: Likely pathogenic for Fanconi anemia complementation group A. Last evaluated: 2024-05-02. Review status: criteria provided, single submitter. Criteria: ACMG Guidelines, 2015. Collection method: clinical testing. Allele origin: germline.

Labcorp Genetics (formerly Invitae), Labcorp
Classification: Pathogenic for Fanconi anemia. Last evaluated: 2023-09-01. Review status: criteria provided, single submitter. Criteria: Invitae Variant Classification Sherloc (09022015). Collection method: clinical testing. Allele origin: germline.
Comment: This sequence change replaces arginine, which is basic and polar, with tryptophan, which is neutral and slightly polar, at codon 764 of the FANCA protein (p.Arg764Trp). The frequency data for this variant in the population databases is considered unreliable, as metrics indicate poor data quality at this position in the gnomAD database. This missense change has been observed in individual(s) with Fanconi anemia type A (PMID: 24584348, 30792206). In at least one individual the data is consistent with being in trans (on the opposite chromosome) from a pathogenic variant. ClinVar contains an entry for this variant (Variation ID: 974028). Advanced modeling of protein sequence and biophysical properties (such as structural, functional, and spatial information, amino acid conservation, physicochemical variation, residue mobility, and thermodynamic stability) performed at Invitae indicates that this missense variant is expected to disrupt FANCA protein function. For these reasons, this variant has been classified as Pathogenic.

Baylor Genetics
Classification: Pathogenic for Fanconi anemia complementation group A. Last evaluated: 2023-04-28. Review status: criteria provided, single submitter. Criteria: ACMG Guidelines, 2015. Collection method: clinical testing. Allele origin: unknown.

Leiden Open Variation Database
Classification: Pathogenic for Fanconi anemia complementation group A. Last evaluated: 2020-02-28. Review status: no assertion criteria provided. Collection method: curation. Allele origin: germline. Affected: yes. Not counted in ClinVar's aggregate classification.
Comment: Curator: Arleen D. Auerbach. Submitter to LOVD: Arleen D. Auerbach.

Literature cited by the submitters: PubMed 24037726 (cited by Natera, Inc.); PubMed 36894310 (cited by Natera, Inc.); PubMed 24584348 (cited by Natera, Inc. and Labcorp Genetics (formerly Invitae), Labcorp); PubMed 3689431 (cited by Natera, Inc.); PubMed 30792206 (cited by Labcorp Genetics (formerly Invitae), Labcorp).

NM_000135.4(FANCA):c.2290C>T (p.Arg764Trp)

Gene: FANCA (FA complementation group A; minus strand). Cytogenetic location: 16q24.3.
Variant type: single nucleotide variant.
Coding change: c.2290C>T on transcript NM_000135.4 (MANE Select); coding-DNA position 2290, C replaced by T.
Protein change: p.Arg764Trp; replaces arginine 764 with tryptophan.
Molecular consequence: missense variant.
Genome position (GRCh38, 1-based): chr16:89,770,192, G>A on the plus strand (C>T on the coding strand, the complement: FANCA is on the minus strand). VCF-style: chr16-89770192-G-A. GRCh37 (hg19) VCF-style: chr16-89836600-G-A.
Other names: c.2290C>T, p.Arg764Trp (NM_001286167.3); c.2290C>T (NM_000135.3); short protein forms R764W.
Identifiers: ClinVar variation 974028 (VCV000974028.10), dbSNP rs751572448, ClinGen allele CA8251802.